The following is an entry in ClinVar:

ClinVar aggregate classification (germline): Uncertain significance. Review status: criteria provided, multiple submitters, no conflicts (2 of 4 stars). 2 submissions from 2 submitters: Uncertain significance (2). Last evaluated 2024-05-15.

Conditions:
Norman-Roberts syndrome (LIS2). Also called: Lissencephaly 2 (Norman-Roberts type). Identifiers: Orphanet 89844, MedGen C0796089, MONDO:0009760, OMIM 257320.
Familial temporal lobe epilepsy 7. Identifiers: Orphanet 101046, MedGen C4225327, MONDO:0014639, OMIM 616436.
Inborn genetic diseases. Identifiers: MedGen C0950123, MeSH D030342.

gnomAD v4.1: 1 of 1,605,330 alleles (0.000062%); highest among the groups gnomAD compares: Non-Finnish European, 0.000085%; no homozygotes.

Submissions (2):

Labcorp Genetics (formerly Invitae), Labcorp
Classification: Uncertain significance for Familial temporal lobe epilepsy 7; Norman-Roberts syndrome. Last evaluated: 2024-05-15. Review status: criteria provided, single submitter. Criteria: Invitae Variant Classification Sherloc (09022015). Collection method: clinical testing. Allele origin: germline.
Comment: This sequence change replaces methionine, which is neutral and non-polar, with threonine, which is neutral and polar, at codon 662 of the RELN protein (p.Met662Thr). This variant is not present in population databases (gnomAD no frequency). This variant has not been reported in the literature in individuals affected with RELN-related conditions. ClinVar contains an entry for this variant (Variation ID: 2288886). Advanced modeling of protein sequence and biophysical properties (such as structural, functional, and spatial information, amino acid conservation, physicochemical variation, residue mobility, and thermodynamic stability) performed at Invitae indicates that this missense variant is not expected to disrupt RELN protein function with a negative predictive value of 80%. In summary, the available evidence is currently insufficient to determine the role of this variant in disease. Therefore, it has been classified as a Variant of Uncertain Significance.

Ambry Genetics
Classification: Uncertain significance for Inborn genetic diseases. Last evaluated: 2022-05-11. Review status: criteria provided, single submitter. Criteria: Ambry Variant Classification Scheme 2023. Collection method: clinical testing. Allele origin: germline.

NM_005045.4(RELN):c.1985T>C (p.Met662Thr)

Gene: RELN (reelin; minus strand). Cytogenetic location: 7q22.1.
Variant type: single nucleotide variant.
Coding change: c.1985T>C on transcript NM_005045.4 (MANE Select); coding-DNA position 1985, T replaced by C.
Protein change: p.Met662Thr; replaces methionine 662 with threonine.
Molecular consequence: missense variant.
Genome position (GRCh38, 1-based): chr7:103,650,291, A>G on the plus strand (T>C on the coding strand, the complement: RELN is on the minus strand). VCF-style: chr7-103650291-A-G. GRCh37 (hg19) VCF-style: chr7-103290738-A-G.
Other names: c.1985T>C, p.Met662Thr (NM_173054.3); short protein forms M662T.
Identifiers: ClinVar variation 2288886 (VCV002288886.5), dbSNP rs2484833580, ClinGen allele CA368764001.